The following is an entry in ClinVar:

ClinVar aggregate classification (germline): Pathogenic/Likely pathogenic. Review status: criteria provided, multiple submitters, no conflicts (2 of 4 stars). 3 submissions from 3 submitters: Pathogenic (2); Likely pathogenic (1). Last evaluated 2025-09-12.

Conditions:
Hereditary leiomyomatosis and renal cell cancer. Also called: LEIOMYOMA, MULTIPLE CUTANEOUS; MULTIPLE CUTANEOUS AND UTERINE LEIOMYOMATA 1, WITH OR WITHOUT RENAL CELL CARCINOMA; Reed syndrome; Multiple cutaneous and uterine leiomyomatosis; Cutaneous leiomyomata with uterine leiomyomata; Leiomyoma, hereditary multiple, of skin. Identifiers: Orphanet 523, MedGen C1708350, MONDO:0007888, OMIM 150800, HP:0007437. Disease mechanism: loss of function.
Hereditary cancer-predisposing syndrome. Also called: Neoplastic Syndromes, Hereditary; Hereditary Cancer Syndrome; Hereditary neoplastic syndrome; Tumor predisposition. Identifiers: Orphanet 140162, MedGen C0027672, MeSH D009386, MONDO:0015356.

Submissions (3):

Myriad Genetics, Inc.
Classification: Likely pathogenic for Hereditary leiomyomatosis and renal cell cancer. Last evaluated: 2025-09-12. Review status: criteria provided, single submitter. Criteria: Myriad Autosomal Dominant, Autosomal Recessive and X-Linked Classification Criteria (2023). Collection method: clinical testing. Allele origin: unknown.
Comment: This variant is considered likely pathogenic. Functional studies indicate this variant impacts protein function [PMID: 37053010]. This variant is expected to disrupt protein structure [Myriad internal data]. This variant has been reported in multiple individuals with clinical features of gene-specific disease [PMID: 37053010, external communications 2025, Myriad internal data].

Ambry Genetics
Classification: Pathogenic for Hereditary cancer-predisposing syndrome. Last evaluated: 2025-08-06. Review status: criteria provided, single submitter. Criteria: Ambry Variant Classification Scheme 2023. Collection method: clinical testing. Allele origin: germline.
Comment: The p.G275R pathogenic mutation (also known as c.823G>A), located in coding exon 6 of the FH gene, results from a G to A substitution at nucleotide position 823. The glycine at codon 275 is replaced by arginine, an amino acid with dissimilar properties. This variant was reported in individual(s) with features consistent with FH-related tumor predisposition (Ambry internal data). Other variant(s) resulting in the same amino acid change (c.823G>C) have been identified in individual(s) with features consistent with FH-related tumor predisposition (Ambry internal data). This amino acid position is highly conserved in available vertebrate species. In addition, this alteration is predicted to be deleterious by in silico analysis. This variant is considered to be rare based on population cohorts in the Genome Aggregation Database (gnomAD). Based on the supporting evidence, this variant is interpreted as a disease-causing mutation.

Labcorp Genetics (formerly Invitae), Labcorp
Classification: Pathogenic. Last evaluated: 2023-12-12. Review status: criteria provided, single submitter. Criteria: Invitae Variant Classification Sherloc (09022015). Collection method: clinical testing. Allele origin: germline.
Comment: This sequence change replaces glycine, which is neutral and non-polar, with arginine, which is basic and polar, at codon 275 of the FH protein (p.Gly275Arg). This variant is not present in population databases (gnomAD no frequency). This missense change has been observed in individual(s) with clinical features of leiomyomatosis and renal cell cancer (Invitae; external communication). ClinVar contains an entry for this variant (Variation ID: 405925). Advanced modeling of protein sequence and biophysical properties (such as structural, functional, and spatial information, amino acid conservation, physicochemical variation, residue mobility, and thermodynamic stability) performed at Invitae indicates that this missense variant is expected to disrupt FH protein function with a positive predictive value of 95%. This variant disrupts the p.Gly275 amino acid residue in FH. Other variant(s) that disrupt this residue have been determined to be pathogenic (PMID: 20618355). This suggests that this residue is clinically significant, and that variants that disrupt this residue are likely to be disease-causing. For these reasons, this variant has been classified as Pathogenic.

Literature cited by the submitters: PubMed 37053010 (cited by Myriad Genetics, Inc.); PubMed 20618355 (cited by Labcorp Genetics (formerly Invitae), Labcorp).

NM_000143.4(FH):c.823G>A (p.Gly275Arg)

Gene: FH (fumarate hydratase; minus strand). Cytogenetic location: 1q43.
Variant type: single nucleotide variant.
Coding change: c.823G>A on transcript NM_000143.4 (MANE Select); coding-DNA position 823, G replaced by A.
Protein change: p.Gly275Arg; replaces glycine 275 with arginine.
Molecular consequence: missense variant.
Genome position (GRCh38, 1-based): chr1:241,506,084, C>T on the plus strand (G>A on the coding strand, the complement: FH is on the minus strand). VCF-style: chr1-241506084-C-T. GRCh37 (hg19) VCF-style: chr1-241669384-C-T.
Other names: short protein forms G275R.
Identifiers: ClinVar variation 405925 (VCV000405925.11), dbSNP rs1060499639, ClinGen allele CA16610104.